The following is an entry in ClinVar:

NM_001083962.2(TCF4):c.1730A>G (p.Glu577Gly)

Gene: TCF4 (transcription factor 4; minus strand). Cytogenetic location: 18q21.2.
Variant type: single nucleotide variant.
Coding change: c.1730A>G on transcript NM_001083962.2 (MANE Select); coding-DNA position 1730, A replaced by G.
Protein change: p.Glu577Gly; replaces glutamic acid 577 with glycine.
Molecular consequence: missense variant.
Genome position (GRCh38, 1-based): chr18:55,228,996, T>C on the plus strand (A>G on the coding strand, the complement: TCF4 is on the minus strand). VCF-style: chr18-55228996-T-C. GRCh37 (hg19) VCF-style: chr18-52896227-T-C.
Other names: c.1643A>G, p.Glu548Gly (NM_001348220.1, NM_001369585.1, NM_001369584.1); c.1730A>G, p.Glu577Gly (NM_001369567.1, NM_001369568.1); c.1727A>G, p.Glu576Gly (NM_001369569.1, NM_001369570.1, NM_001330604.3); c.1718A>G, p.Glu573Gly (NM_001369571.1, NM_001369572.1, NM_003199.3); c.1715A>G, p.Glu572Gly (NM_001369573.1, NM_001369574.1); c.2036A>G, p.Glu679Gly (NM_001243226.3); c.1658A>G, p.Glu553Gly (NM_001243227.2, NM_001348217.1, NM_001348218.2 and 1 more transcripts); c.1748A>G, p.Glu583Gly (NM_001243228.2); and 14 more; short protein forms E417G, E552G, E553G, E679G, E412G, E447G, E506G, E531G.
Identifiers: ClinVar variation 2753556 (VCV002753556.3), dbSNP rs2511499126, ClinGen allele CA402528917.

ClinVar aggregate classification (germline): Pathogenic (1 of 4 stars; one submission).

Conditions:
Pitt-Hopkins syndrome (PTHS). Also called: ENCEPHALOPATHY, SEVERE EPILEPTIC, WITH AUTONOMIC DYSFUNCTION; MENTAL RETARDATION, SYNDROMAL, WITH INTERMITTENT HYPERVENTILATION. Identifiers: Orphanet 2896, MedGen C1970431, MONDO:0012589, OMIM 610954.

Submission:

Labcorp Genetics (formerly Invitae), Labcorp
Classification: Pathogenic for Pitt-Hopkins syndrome. Last evaluated: 2023-08-17. Review status: criteria provided, single submitter. Criteria: Invitae Variant Classification Sherloc (09022015). Collection method: clinical testing. Allele origin: germline.
Comment: For these reasons, this variant has been classified as Pathogenic. Advanced modeling of protein sequence and biophysical properties (such as structural, functional, and spatial information, amino acid conservation, physicochemical variation, residue mobility, and thermodynamic stability) performed at Invitae indicates that this missense variant is expected to disrupt TCF4 protein function. This missense change has been observed in individual(s) with clinical features of Pitt-Hopkins syndrome (PMID: 33958710). In at least one individual the variant was observed to be de novo. This variant is not present in population databases (gnomAD no frequency). This sequence change replaces glutamic acid, which is acidic and polar, with glycine, which is neutral and non-polar, at codon 577 of the TCF4 protein (p.Glu577Gly).

Literature cited by the submitters: PubMed 33958710.